The following is an entry in ClinVar:

NM_001004334.4(GPR179):c.4888G>C (p.Glu1630Gln)

Gene: GPR179 (G protein-coupled receptor 179; minus strand). Cytogenetic location: 17q12.
Variant type: single nucleotide variant.
Coding change: c.4888G>C on transcript NM_001004334.4 (MANE Select); coding-DNA position 4888, G replaced by C.
Protein change: p.Glu1630Gln; replaces glutamic acid 1630 with glutamine.
Molecular consequence: missense variant.
Genome position (GRCh38, 1-based): chr17:38,328,681, C>G on the plus strand (G>C on the coding strand, the complement: GPR179 is on the minus strand). VCF-style: chr17-38328681-C-G. GRCh37 (hg19) VCF-style: chr17-36484564-C-G.
Other names: c.4888G>C (NM_001004334.3); short protein forms E1630Q.
Identifiers: ClinVar variation 322982 (VCV000322982.44), dbSNP rs149998444, ClinGen allele CA10645554.
Genomic context (GRCh38, chr17:38,328,681, plus strand): 5'-GGCCGACCGCTTCTTGCTTTTGGATCTGCCCCTCAGGCTTTTCCCAAGCTGTGACATCTT[C>G]GATTTCCGATTTTCCAGGCATTTTCTCCTTGTCCTTTTGAGATTCTCCTCCTCTTGGCAC-3'
Protein context (NP_001004334.3, residues 1620-1640): KEKMPGKSEI[Glu1630Gln]DVTAWEKPEG

ClinVar aggregate classification (germline): Benign/Likely benign. Review status: criteria provided, multiple submitters, no conflicts (2 of 4 stars). 7 submissions from 7 submitters: Benign (1); Likely benign (5). 1 of the submissions does not count toward it. Last evaluated 2026-01-25.

Conditions:
GPR179-related disorder. Also called: GPR179-related condition.
Congenital stationary night blindness 1E. Also called: Night blindness, congenital stationary (complete), 1E, autosomal recessive. Identifiers: Orphanet 215, MedGen C3281215, MONDO:0013807, OMIM 614565.

Allele frequency attached by ClinVar (database versions not stated): 1000 Genomes Project 0.00220; 1000 Genomes Project 30x 0.00234; TOPMed 0.00396; ESP Exome Variant Server 0.00561.
gnomAD v4.1: 9,862 of 1,614,108 alleles (0.61%); highest among the groups gnomAD compares: Non-Finnish European, 0.75%; 42 homozygotes.

Submissions (7):

Labcorp Genetics (formerly Invitae), Labcorp
Classification: Benign. Last evaluated: 2026-01-25. Review status: criteria provided, single submitter. Criteria: Invitae Variant Classification Sherloc (09022015). Collection method: clinical testing. Allele origin: germline.

Blueprint Genetics
Classification: Likely benign. Last evaluated: 2024-11-21. Review status: criteria provided, single submitter. Criteria: ACMG Guidelines, 2015. Collection method: clinical testing. Allele origin: germline.

CeGaT Center for Human Genetics Tuebingen
Classification: Likely benign. Last evaluated: 2023-04-01. Review status: criteria provided, single submitter. Criteria: CeGaT Center For Human Genetics Tuebingen Variant Classification Criteria Version 2. Collection method: clinical testing. Allele origin: germline. Affected: yes. Observed: 1 variant allele.
Comment: GPR179: BP4, BS2

Eurofins Ntd Llc (ga)
Classification: Likely benign. Last evaluated: 2018-02-20. Review status: criteria provided, single submitter. Criteria: EGL ClinVar v180209 classification definitions. Collection method: clinical testing. Allele origin: germline. Observed: 1 variant allele, 1 heterozygote.

Illumina Laboratory Services, Illumina
Classification: Likely benign for Congenital stationary night blindness 1E. Last evaluated: 2018-01-13. Review status: criteria provided, single submitter. Criteria: ICSL Variant Classification Criteria 13 December 2019. Collection method: clinical testing. Allele origin: germline.
Comment: This variant was observed in the ICSL laboratory as part of a predisposition screen in an ostensibly healthy population. It had not been previously curated by ICSL or reported in the Human Gene Mutation Database (HGMD: prior to June 1st, 2018), and was therefore a candidate for classification through an automated scoring system. Utilizing variant allele frequency, disease prevalence and penetrance estimates, and inheritance mode, an automated score was calculated to assess if this variant is too frequent to cause the disease. Based on the score and internal cut-off values, a variant classified as likely benign is not then subjected to further curation. The score for this variant resulted in a classification of likely benign for this disease.

Breakthrough Genomics
Classification: Likely benign. Review status: criteria provided, single submitter. Criteria: ACMG Guidelines, 2015. Collection method: not provided. Allele origin: germline. Inheritance: Autosomal recessive inheritance. Affected: yes.

PreventionGenetics, part of Exact Sciences
Classification: Likely benign for GPR179-related condition. Last evaluated: 2020-02-14. Review status: no assertion criteria provided. Collection method: clinical testing. Allele origin: germline. Not counted in ClinVar's aggregate classification.
Comment: This variant is classified as likely benign based on ACMG/AMP sequence variant interpretation guidelines (Richards et al. 2015 PMID: 25741868, with internal and published modifications).